The following is an entry in ClinVar:

NM_001349008.3(CC2D2B):c.1140G>A (p.Arg380=)

Genes: CC2D2B (coiled-coil and C2 domain containing 2B; plus strand), ENTPD1-AS1 (ENTPD1 antisense RNA 1; minus strand). Cytogenetic location: 10q24.1.
Variant type: single nucleotide variant.
Coding change: c.1140G>A on transcript NM_001349008.3 (MANE Select); coding-DNA position 1140, G replaced by A.
Protein change: p.Arg380=; no amino-acid change (arginine 380 retained).
Molecular consequence: synonymous variant.
Genome position (GRCh38, 1-based): chr10:95,961,859, G>A. VCF-style: chr10-95961859-G-A. GRCh37 (hg19) VCF-style: chr10-97721616-G-A.
Identifiers: ClinVar variation 2640722 (VCV002640722.24), dbSNP rs41291590, ClinGen allele CA5621774.
Genomic context (GRCh38, chr10:95,961,859, plus strand): 5'-CAAATTTTTGCTCTGCCATTTTTGTTGTAGTAATACAAAACAGATGTATGACTTAGAAAG[G>A]GGAAAGGACCTCTCCCTACTACACAGTATATTACGAACTTGGAAACAGATTAAATCTCTT-3'
Protein context (NP_001335937.1, residues 370-390): SNTKQMYDLE[Arg380=]GKDLSLLHSI

ClinVar aggregate classification (germline): Likely benign (1 of 4 stars; one submission).

Allele frequency attached by ClinVar (database versions not stated): 1000 Genomes Project 0.00260; 1000 Genomes Project 30x 0.00281; ExAC 0.00388; TOPMed 0.00499; gnomAD 0.00530.
gnomAD v4.1: 6,762 of 1,231,506 alleles (0.55%); highest among the groups gnomAD compares: African/African-American, 0.62%; 20 homozygotes.

Submission:

CeGaT Center for Human Genetics Tuebingen
Classification: Likely benign. Last evaluated: 2023-07-01. Review status: criteria provided, single submitter. Criteria: CeGaT Center For Human Genetics Tuebingen Variant Classification Criteria Version 2. Collection method: clinical testing. Allele origin: germline. Affected: yes. Observed: 1 variant allele.
Comment: CC2D2B: BS2